The following is an entry in ClinVar:

ClinVar aggregate classification (germline): Likely pathogenic (1 of 4 stars; one submission).

Conditions:
Bethlem myopathy 1A. Also called: Bethlem Muscular Dystrophy; MYOPATHY, BENIGN CONGENITAL, WITH CONTRACTURES; Bethlem myopathy 1. Identifiers: Orphanet 610, MedGen CN029274, MONDO:0024530, OMIM 158810.

gnomAD v4.1: 2 of 1,607,802 alleles (0.00012%); highest among the groups gnomAD compares: Non-Finnish European, 0.00017%; no homozygotes.

Submission:

Labcorp Genetics (formerly Invitae), Labcorp
Classification: Likely pathogenic for Bethlem myopathy 1A. Last evaluated: 2025-02-24. Review status: criteria provided, single submitter. Criteria: Invitae Variant Classification Sherloc (09022015). Collection method: clinical testing. Allele origin: germline.
Comment: This sequence change replaces threonine, which is neutral and polar, with arginine, which is basic and polar, at codon 948 of the COL6A2 protein (p.Thr948Arg). This variant is present in population databases (rs367980010, gnomAD 0.0009%). This missense change has been observed in individual(s) with clinical features of autosomal recessive COL6A2-related conditions (PMID: 35387801; internal data). In at least one individual the data is consistent with being in trans (on the opposite chromosome) from a pathogenic variant. ClinVar contains an entry for this variant (Variation ID: 476477). Invitae Evidence Modeling of protein sequence and biophysical properties (such as structural, functional, and spatial information, amino acid conservation, physicochemical variation, residue mobility, and thermodynamic stability) indicates that this missense variant is expected to disrupt COL6A2 protein function with a positive predictive value of 80%. In summary, the currently available evidence indicates that the variant is pathogenic, but additional data are needed to prove that conclusively. Therefore, this variant has been classified as Likely Pathogenic.

Literature cited by the submitters: PubMed 35387801.

NM_001849.4(COL6A2):c.2843C>G (p.Thr948Arg)

Gene: COL6A2 (collagen type VI alpha 2 chain; plus strand). Cytogenetic location: 21q22.3.
Variant type: single nucleotide variant.
Coding change: c.2843C>G on transcript NM_001849.4 (MANE Select); coding-DNA position 2843, C replaced by G.
Protein change: p.Thr948Arg; replaces threonine 948 with arginine.
Molecular consequence: missense variant.
Genome position (GRCh38, 1-based): chr21:46,132,335, C>G. VCF-style: chr21-46132335-C-G. GRCh37 (hg19) VCF-style: chr21-47552249-C-G.
Other names: short protein forms T948R.
Identifiers: ClinVar variation 476477 (VCV000476477.9), dbSNP rs367980010, ClinGen allele CA10073048.